The following is an entry in ClinVar:

ClinVar aggregate classification (germline): Conflicting classifications of pathogenicity. Review status: criteria provided, conflicting classifications (1 of 4 stars). 3 submissions from 3 submitters: Likely pathogenic (1); Uncertain significance (2). Last evaluated 2025-06-19.

Conditions:
Brown-Vialetto-van Laere syndrome 1. Also called: BROWN-VIALETTO-VAN LAERE SYNDROME 1, MILD; BULBAR PALSY, PROGRESSIVE, WITH SENSORINEURAL DEAFNESS; PONTOBULBAR PALSY WITH DEAFNESS. Identifiers: Orphanet 572550, Orphanet 97229, MedGen C0796274, MONDO:0024537, OMIM 211530.

Allele frequency attached by ClinVar (database versions not stated): gnomAD exomes 0.00001.

Submissions (3):

3billion
Classification: Uncertain significance for Brown-Vialetto-van Laere syndrome 1. Last evaluated: 2025-06-19. Review status: criteria provided, single submitter. Criteria: ACMG Guidelines, 2015. Collection method: clinical testing. Allele origin: germline. Affected: yes.
Comment: The variant is observed at an extremely low frequency in the gnomAD v4.1.0 dataset (total allele frequency: <0.001%). Predicted Consequence/Location: Missense variant In silico tool predictions suggest damaging effect of the variant on gene or gene product [REVEL: 0.63 (>=0.6, sensitivity 0.68 and specificity 0.92); 3Cnet: 0.99 (> 0.75, sensitivity 0.96 and precision 0.92)]. The same nucleotide change resulting in the same amino acid change has been previously reported to be associated with SLC52A3-related disorder (ClinVar ID: VCV000392722 /PMID: 29193829). However, the evidence of pathogenicity is insufficient at this time. Therefore, this variant is classified as VUS according to the recommendation of ACMG/AMP guideline.

Revvity Omics, Revvity
Classification: Uncertain significance. Last evaluated: 2025-01-06. Review status: criteria provided, single submitter. Criteria: ACMG Guidelines, 2015. Collection method: clinical testing. Allele origin: germline.

GeneDx
Classification: Likely pathogenic. Last evaluated: 2017-01-03. Review status: criteria provided, single submitter. Criteria: GeneDx Variant Classification (06012015). Collection method: clinical testing. Allele origin: germline. Affected: yes.
Comment: The G408D variant in the SLC52A3 gene has not been reported previously as a pathogenic variant, nor as a benign variant, to our knowledge. The G408D variant is not observed in large population cohorts (Lek et al., 2016; 1000 Genomes Consortium et al., 2015; Exome Variant Server). The G408D variant is a non-conservative amino acid substitution, which is likely to impact secondary protein structure as these residues differ in polarity, charge, size and/or other properties. This substitution occurs within a helical transmembrane domain at a position where amino acids with similar properties to Glycine are tolerated across species. In silico analysis predicts this variant is probably damaging to the protein structure/function. We interpret G408D as a likely pathogenic variant.

Literature cited by the submitters: PubMed 29193829 (cited by 3billion).

NM_033409.4(SLC52A3):c.1223G>A (p.Gly408Asp)

Gene: SLC52A3 (solute carrier family 52 member 3; minus strand). Cytogenetic location: 20p13.
Variant type: single nucleotide variant.
Coding change: c.1223G>A on transcript NM_033409.4 (MANE Select); coding-DNA position 1223, G replaced by A.
Protein change: p.Gly408Asp; replaces glycine 408 with aspartic acid.
Molecular consequence: missense variant.
Genome position (GRCh38, 1-based): chr20:761,213, C>T on the plus strand (G>A on the coding strand, the complement: SLC52A3 is on the minus strand). VCF-style: chr20-761213-C-T. GRCh37 (hg19) VCF-style: chr20-741857-C-T.
Other names: c.1223G>A, p.Gly408Asp (NM_001370085.1, NM_001370086.1); short protein forms G408D.
Identifiers: ClinVar variation 392722 (VCV000392722.4), dbSNP rs1057524605, ClinGen allele CA16608046.
Genomic context (GRCh38, chr20:761,213, plus strand): 5'-GCGCTGCGGCTGAGGTCGCGCAGGACCACGCCCAGCATCACCTTGACGTAACTGAGGCAG[C>T]CGCTGAAAAGCACCCACGAGGCCACCTGCGGGGCCGGGAGGGAAGAGGTGCAGAGTCACG-3'
Protein context (NP_212134.3, residues 398-418): LIVASWVLFS[Gly408Asp]CLSYVKVMLG